The following is an entry in ClinVar:

NM_018648.4(NOP10):c.*30A>G

Gene: NOP10 (NOP10 ribonucleoprotein; minus strand). Cytogenetic location: 15q14.
Variant type: single nucleotide variant.
Coding change: c.*30A>G on transcript NM_018648.4 (MANE Select); 30 bases downstream of the stop codon, A replaced by G.
Molecular consequence: 3 prime UTR variant.
Genome position (GRCh38, 1-based): chr15:34,341,938, T>C on the plus strand (A>G on the coding strand, the complement: NOP10 is on the minus strand). VCF-style: chr15-34341938-T-C. GRCh37 (hg19) VCF-style: chr15-34634139-T-C.
Identifiers: ClinVar variation 315636 (VCV000315636.10), dbSNP rs1045194, ClinGen allele CA7464756.

ClinVar aggregate classification (germline): Benign. Review status: criteria provided, multiple submitters, no conflicts (2 of 4 stars). 4 submissions from 4 submitters: Benign (4). Last evaluated 2024-01-24.

Conditions:
Dyskeratosis congenita, autosomal recessive 1. Identifiers: Orphanet 1775, MedGen C1857144, MONDO:0009136, OMIM 224230.

Allele frequency attached by ClinVar (database versions not stated): gnomAD 0.16039 and 0.15581; TOPMed 0.16764; ExAC 0.17840; 1000 Genomes Project 0.21006; ESP Exome Variant Server 0.14833; gnomAD exomes 0.16628 and 0.17646; 1000 Genomes Project 30x 0.20347.

Submissions (4):

Unidad de Genómica Garrahan, Hospital de Pediatría Garrahan
Classification: Benign. Last evaluated: 2024-01-24. Review status: criteria provided, single submitter. Criteria: ACMG Guidelines, 2015. Collection method: clinical testing. Allele origin: germline. Affected: no. Observed: 32 variant alleles.
Comment: This variant is classified as Benign based on local population frequency. This variant was detected in 34% of patients studied by a panel of primary immunodeficiencies. Number of patients: 32. Only high quality variants are reported.

GeneDx
Classification: Benign. Last evaluated: 2019-04-03. Review status: criteria provided, single submitter. Criteria: GeneDx Variant Classification Process June 2021. Collection method: clinical testing. Allele origin: germline. Affected: yes.

Illumina Laboratory Services, Illumina
Classification: Benign for Dyskeratosis congenita, autosomal recessive 1. Last evaluated: 2018-01-13. Review status: criteria provided, single submitter. Criteria: ICSL Variant Classification Criteria 13 December 2019. Collection method: clinical testing. Allele origin: germline.
Comment: This variant was observed in the ICSL laboratory as part of a predisposition screen in an ostensibly healthy population. It had not been previously curated by ICSL or reported in the Human Gene Mutation Database (HGMD: prior to June 1st, 2018), and was therefore a candidate for classification through an automated scoring system. Utilizing variant allele frequency, disease prevalence and penetrance estimates, and inheritance mode, an automated score was calculated to assess if this variant is too frequent to cause the disease. Based on the score and internal cut-off values, a variant classified as benign is not then subjected to further curation. The score for this variant resulted in a classification of benign for this disease.

Breakthrough Genomics
Classification: Benign. Review status: criteria provided, single submitter. Criteria: ACMG Guidelines, 2015. Collection method: not provided. Allele origin: germline. Inheritance: Autosomal recessive inheritance. Affected: yes.